The following is an entry in ClinVar:

NM_007055.4(POLR3A):c.91C>T (p.Gln31Ter)

Gene: POLR3A (RNA polymerase III subunit A; minus strand). Cytogenetic location: 10q22.3.
Variant type: single nucleotide variant.
Coding change: c.91C>T on transcript NM_007055.4 (MANE Select); coding-DNA position 91, C replaced by T.
Protein change: p.Gln31Ter; replaces glutamine 31 with a stop codon.
Molecular consequence: nonsense.
Genome position (GRCh38, 1-based): chr10:78,026,183, G>A on the plus strand (C>T on the coding strand, the complement: POLR3A is on the minus strand). VCF-style: chr10-78026183-G-A. GRCh37 (hg19) VCF-style: chr10-79785941-G-A.
Other names: NM_007055.4(POLR3A):c.91C>T; p.Gln31Ter; short protein forms Q31*.
Identifiers: ClinVar variation 987177 (VCV000987177.7), dbSNP rs546487084, ClinGen allele CA5571799.
Genomic context (GRCh38, chr10:78,026,183, plus strand): 5'-AGGGGGCATGTTGGTTGTCCTGGCTGTACAGGTTCTTACTCACAACTTGGATGTGCGCCT[G>A]CTGGCGCATCTCCTCAGGTGACTTCATTCCAAAACAGATGTGGCTTCTGGAATGGGAAGA-3'

ClinVar aggregate classification (germline): Pathogenic. Review status: criteria provided, multiple submitters, no conflicts (2 of 4 stars). 3 submissions from 3 submitters: Pathogenic (3). Last evaluated 2023-10-19.

Conditions:
Leukodystrophy, hypomyelinating, 7, with or without oligodontia and/or hypogonadotropic hypogonadism (HLD7). Also called: LEUKODYSTROPHY, HYPOMYELINATING, 7, WITH OLIGODONTIA; LEUKODYSTROPHY, HYPOMYELINATING, 7, WITH OLIGODONTIA AND HYPOGONADOTROPIC HYPOGONADISM; LEUKODYSTROPHY, HYPOMYELINATING, 7, WITHOUT OLIGODONTIA OR HYPOGONADOTROPIC HYPOGONADISM; LEUKOENCEPHALOPATHY, HYPOMYELINATING, WITH ATAXIA AND DELAYED DENTITION; ATAXIA, DELAYED DENTITION, AND HYPOMYELINATION; Ataxia, Delayed Dentition and Hypomyelination (ADDH). Identifiers: Orphanet 137639, Orphanet 447893, Orphanet 447896, Orphanet 77295, Orphanet 88637, MedGen CN034185, MONDO:0011897, OMIM 607694.

Allele frequency attached by ClinVar (database versions not stated): TOPMed below 0.00001; gnomAD 0.00001.
gnomAD v4.1: 20 of 1,614,064 alleles (0.0012%); highest among the groups gnomAD compares: Non-Finnish European, 0.0017%; no homozygotes.

Submissions (3):

Labcorp Genetics (formerly Invitae), Labcorp
Classification: Pathogenic. Last evaluated: 2023-10-19. Review status: criteria provided, single submitter. Criteria: Invitae Variant Classification Sherloc (09022015). Collection method: clinical testing. Allele origin: germline.
Comment: This sequence change creates a premature translational stop signal (p.Gln31*) in the POLR3A gene. It is expected to result in an absent or disrupted protein product. Loss-of-function variants in POLR3A are known to be pathogenic (PMID: 21855841, 25339210, 27612211, 30414627, 30450527). This variant is present in population databases (rs546487084, gnomAD 0.002%). This premature translational stop signal has been observed in individual(s) with clinical features of POLR3A-related conditions (PMID: 28459997). ClinVar contains an entry for this variant (Variation ID: 987177). For these reasons, this variant has been classified as Pathogenic.

Broad Center for Mendelian Genomics, Broad Institute of MIT and Harvard
Classification: Pathogenic for Leukodystrophy, hypomyelinating, 7, with or without oligodontia and/or hypogonadotropic hypogonadism. Last evaluated: 2023-01-24. Review status: criteria provided, single submitter. Criteria: ACMG Guidelines, 2015. Collection method: curation. Allele origin: germline. Inheritance: Autosomal recessive inheritance.
Comment: The p.Gln31Ter variant in POLR3A has been reported in 1 individual with POLR3A-related disorders (PMID: 28459997), segregated with disease in 3 affected relatives from 1 family (PMID: 28459997), and has been identified in 0.002% (2/129190) of European (non-Finnish) chromosomes by the Genome Aggregation Database (gnomAD; dbSNP ID: rs546487084). Although this variant has been seen in the general population in a heterozygous state, its frequency is low enough to be consistent with a recessive carrier frequency. This variant has also been reported in ClinVar (Variation ID#: 987177) and has been interpreted as pathogenic by Institute of Medical Genetics and Applied Genomics (University Hospital T√ºbingen). This nonsense variant leads to a premature termination codon at position 31, which is predicted to lead to a truncated or absent protein. Loss of function of the POLR3A gene is an established disease mechanism in autosomal recessive POLR3A-related disorders. In summary, this variant meets criteria to be classified as pathogenic for autosomal recessive POLR3A-related disorders. ACMG/AMP Criteria applied: PVS1, PP1_moderate, PM2_supporting (Richards 2015).

Institute of Medical Genetics and Applied Genomics, University Hospital Tübingen
Classification: Pathogenic. Last evaluated: 2020-10-23. Review status: criteria provided, single submitter. Criteria: ACMG Guidelines, 2015. Collection method: clinical testing. Allele origin: germline. Inheritance: Autosomal recessive inheritance. Affected: yes.

Literature cited by the submitters: PubMed 21855841 (cited by Labcorp Genetics (formerly Invitae), Labcorp); PubMed 25339210 (cited by Labcorp Genetics (formerly Invitae), Labcorp); PubMed 27612211 (cited by Labcorp Genetics (formerly Invitae), Labcorp); PubMed 30414627 (cited by Labcorp Genetics (formerly Invitae), Labcorp); PubMed 30450527 (cited by Labcorp Genetics (formerly Invitae), Labcorp); PubMed 28459997 (cited by Labcorp Genetics (formerly Invitae), Labcorp).